The following is an entry in ClinVar:

NM_182961.4(SYNE1):c.12352-39A>G

Gene: SYNE1 (spectrin repeat containing nuclear envelope protein 1; minus strand). Cytogenetic location: 6q25.2.
Variant type: single nucleotide variant.
Coding change: c.12352-39A>G on transcript NM_182961.4 (MANE Select); 39 bases into the intron before coding-DNA position 12352, A replaced by G.
Molecular consequence: intron variant.
Genome position (GRCh38, 1-based): chr6:152,337,056, T>C on the plus strand (A>G on the coding strand, the complement: SYNE1 is on the minus strand). VCF-style: chr6-152337056-T-C. GRCh37 (hg19) VCF-style: chr6-152658191-T-C.
Other names: c.12139-39A>G (NM_033071.5).
Identifiers: ClinVar variation 262158 (VCV000262158.4), dbSNP rs9479298, ClinGen allele CA4056419.

ClinVar aggregate classification (germline): Benign. Review status: criteria provided, multiple submitters, no conflicts (2 of 4 stars). 5 submissions from 3 submitters: Benign (5). Last evaluated 2021-07-15.

Conditions:
Arthrogryposis multiplex congenita 3, myogenic type. Also called: ARTHROGRYPOSIS MULTIPLEX CONGENITA, MYOGENIC TYPE. Identifiers: MedGen C5193121, MONDO:0032778, OMIM 618484.
Autosomal recessive ataxia, Beauce type. Also called: Spinocerebellar ataxia, autosomal recessive 8; ATAXIA, RECESSIVE, OF BEAUCE; SYNE1-Related Autosomal Recessive Cerebellar Ataxia; SYNE1 Deficiency. Identifiers: Orphanet 88644, MedGen C1853116, MONDO:0012549, OMIM 610743.
Emery-Dreifuss muscular dystrophy 4, autosomal dominant (EDMD4). Also called: EMERY-DREIFUSS MUSCULAR DYSTROPHY 4 WITH VARIABLE FEATURES. Identifiers: Orphanet 261, MedGen C2751807, MONDO:0013071, OMIM 612998.

Allele frequency attached by ClinVar (database versions not stated): gnomAD exomes 0.74809 and 0.74828; ExAC 0.75842; 1000 Genomes Project 0.79014; 1000 Genomes Project 30x 0.79247; TOPMed 0.79492; gnomAD 0.79639 and 0.80324; ESP Exome Variant Server 0.80063.
gnomAD v4.1: 1,198,481 of 1,592,616 alleles (75%); highest among the groups gnomAD compares: African/African-American, 92%; 453,734 homozygotes.

Submissions (5):

Genome-Nilou Lab
Classification: Benign for Arthrogryposis multiplex congenita 3, myogenic type. Last evaluated: 2021-07-15. Review status: criteria provided, single submitter. Criteria: ACMG Guidelines, 2015. Collection method: clinical testing. Allele origin: germline. Affected: no.

Genome-Nilou Lab
Classification: Benign for Emery-Dreifuss muscular dystrophy 4, autosomal dominant. Last evaluated: 2021-07-15. Review status: criteria provided, single submitter. Criteria: ACMG Guidelines, 2015. Collection method: clinical testing. Allele origin: germline. Affected: no.

Genome-Nilou Lab
Classification: Benign for Autosomal recessive ataxia, Beauce type. Last evaluated: 2021-07-15. Review status: criteria provided, single submitter. Criteria: ACMG Guidelines, 2015. Collection method: clinical testing. Allele origin: germline. Affected: no.

GeneDx
Classification: Benign. Last evaluated: 2018-06-14. Review status: criteria provided, single submitter. Criteria: GeneDx Variant Classification (06012015). Collection method: clinical testing. Allele origin: germline. Affected: yes.
Comment: This variant is considered likely benign or benign based on one or more of the following criteria: it is a conservative change, it occurs at a poorly conserved position in the protein, it is predicted to be benign by multiple in silico algorithms, and/or has population frequency not consistent with disease.

PreventionGenetics, part of Exact Sciences
Classification: Benign. Review status: criteria provided, single submitter. Criteria: ACMG Guidelines, 2015. Collection method: clinical testing. Allele origin: germline.